The following is an entry in ClinVar:

ClinVar aggregate classification (germline): Pathogenic. Review status: criteria provided, multiple submitters, no conflicts (2 of 4 stars). 7 submissions from 7 submitters: Pathogenic (5). 2 of the submissions do not count toward it. Last evaluated 2023-04-27.

Conditions:
Spastic paraplegia. Identifiers: MedGen C0037772, HP:0001258.
Charlevoix-Saguenay spastic ataxia (SACS). Also called: AUTOSOMAL RECESSIVE SPASTIC ATAXIA OF CHARLEVOIX-SAGUENAY; SPASTIC ATAXIA 6, AUTOSOMAL RECESSIVE; Spastic ataxia of Charlevoix-Saguenay. Identifiers: Orphanet 98, MedGen C1849140, MONDO:0010041, OMIM 270550.

Allele frequency attached by ClinVar (database versions not stated): gnomAD exomes below 0.00001.
gnomAD v4.1: 6 of 1,610,826 alleles (0.00037%); highest among the groups gnomAD compares: Non-Finnish European, 0.00051%; no homozygotes.

Submissions (7):

Baylor Genetics
Classification: Pathogenic for Charlevoix-Saguenay spastic ataxia. Last evaluated: 2023-04-27. Review status: criteria provided, single submitter. Criteria: ACMG Guidelines, 2015. Collection method: clinical testing. Allele origin: unknown.

Labcorp Genetics (formerly Invitae), Labcorp
Classification: Pathogenic for Spastic paraplegia. Last evaluated: 2023-03-10. Review status: criteria provided, single submitter. Criteria: Invitae Variant Classification Sherloc (09022015). Collection method: clinical testing. Allele origin: germline.
Comment: This sequence change creates a premature translational stop signal (p.Gln1709*) in the SACS gene. While this is not anticipated to result in nonsense mediated decay, it is expected to disrupt the last 2871 amino acid(s) of the SACS protein. This variant is present in population databases (no rsID available, gnomAD 0.0009%). This premature translational stop signal has been observed in individual(s) with autosomal recessive spastic ataxia of Charlevoix-Saguenay (ARSACS) (PMID: 18465152, 23497566). ClinVar contains an entry for this variant (Variation ID: 371484). This variant disrupts a region of the SACS protein in which other variant(s) (p.Arg3903*) have been determined to be pathogenic (PMID: 9892370, 21745802). This suggests that this is a clinically significant region of the protein, and that variants that disrupt it are likely to be disease-causing. For these reasons, this variant has been classified as Pathogenic.

PROSPAX: an integrated multimodal progression  chart in spastic ataxias, Center for Neurology; Hertie-Institute for Clinical Brain Research
Classification: Pathogenic for Charlevoix-Saguenay spastic ataxia. Last evaluated: 2022-01-01. Review status: criteria provided, single submitter. Criteria: ACMG Guidelines, 2015. Collection method: research. Allele origin: germline. Affected: yes. Observed: 1 variant allele, 1 compound heterozygote.

Genome-Nilou Lab
Classification: Pathogenic for Charlevoix-Saguenay spastic ataxia. Last evaluated: 2021-09-05. Review status: criteria provided, single submitter. Criteria: ACMG Guidelines, 2015. Collection method: clinical testing. Allele origin: germline. Affected: no.

Women's Health and Genetics/Laboratory Corporation of America, LabCorp
Classification: Pathogenic for Charlevoix-Saguenay spastic ataxia. Last evaluated: 2021-05-31. Review status: criteria provided, single submitter. Criteria: LabCorp Variant Classification Summary - May 2015. Collection method: clinical testing. Allele origin: germline.
Comment: Variant summary: SACS c.5125C>T (p.Gln1709X) results in a premature termination codon, predicted to cause a truncation of the encoded protein or absence of the protein due to nonsense mediated decay, which are commonly known mechanisms for disease. Truncations downstream of this position have been classified as pathogenic by our laboratory. The variant allele was found at a frequency of 4e-06 in 247518 control chromosomes. c.5125C>T has been reported in the literature in individuals affected with Autosomal Recessive Spastic Ataxia Of Charlevoix-Saguenay (example, Vermeer_2008, Synofzik_2013). These data indicate that the variant is associated with disease. To our knowledge, no experimental evidence demonstrating an impact on protein function has been reported. Two clinical diagnostic laboratories have submitted clinical-significance assessments for this variant to ClinVar after 2014 without evidence for independent evaluation. All laboratories classified the variant as pathogenic. Based on the evidence outlined above, the variant was classified as pathogenic.

Natera, Inc.
Classification: Pathogenic for Charlevoix-Saguenay type spastic ataxia. Last evaluated: 2020-06-27. Review status: no assertion criteria provided. Collection method: clinical testing. Allele origin: germline. Not counted in ClinVar's aggregate classification.

Counsyl
Classification: Pathogenic for Charlevoix-Saguenay spastic ataxia. Last evaluated: 2016-10-04. Review status: no assertion criteria provided. Collection method: clinical testing. Allele origin: unknown. Not counted in ClinVar's aggregate classification.

Literature cited by the submitters: PubMed 18465152 (cited by 3 submitters); PubMed 23497566 (cited by 3 submitters); PubMed 9892370 (cited by Labcorp Genetics (formerly Invitae), Labcorp); PubMed 21745802 (cited by Labcorp Genetics (formerly Invitae), Labcorp).

NM_014363.6(SACS):c.5125C>T (p.Gln1709Ter)

Gene: SACS (sacsin molecular chaperone; minus strand). Cytogenetic location: 13q12.12.
Variant type: single nucleotide variant.
Coding change: c.5125C>T on transcript NM_014363.6 (MANE Select); coding-DNA position 5125, C replaced by T.
Protein change: p.Gln1709Ter; replaces glutamine 1709 with a stop codon.
Molecular consequence: nonsense.
Genome position (GRCh38, 1-based): chr13:23,338,751, G>A on the plus strand (C>T on the coding strand, the complement: SACS is on the minus strand). VCF-style: chr13-23338751-G-A. GRCh37 (hg19) VCF-style: chr13-23912890-G-A.
Other names: c.4684C>T, p.Gln1562Ter (NM_001278055.2); short protein forms Q1709*, Q1562*.
Identifiers: ClinVar variation 371484 (VCV000371484.21), dbSNP rs1057517311, ClinGen allele CA16041633.